The following is an entry in ClinVar:

ClinVar aggregate classification (germline): Uncertain significance. Review status: criteria provided, multiple submitters, no conflicts (2 of 4 stars). 2 submissions from 2 submitters: Uncertain significance (2). Last evaluated 2023-04-18.

Conditions:
Familial hypocalciuric hypercalcemia (FHH). Also called: Familial benign hypercalcemia. Identifiers: Orphanet 405, MedGen C1809471, MONDO:0018458.
Autosomal dominant hypocalcemia 1 (HYPOC1). Also called: HYPOCALCEMIA, FAMILIAL. Identifiers: MedGen C3715128, MONDO:0011013, OMIM 601198.
Nephrolithiasis/nephrocalcinosis. Identifiers: MedGen CN580796.

Allele frequency attached by ClinVar (database versions not stated): gnomAD exomes below 0.00001.
gnomAD v4.1: 1 of 1,614,184 alleles (0.000062%); no homozygotes.

Submissions (2):

Ambry Genetics
Classification: Uncertain significance for Nephrolithiasis/nephrocalcinosis. Last evaluated: 2023-04-18. Review status: criteria provided, single submitter. Criteria: Ambry Variant Classification Scheme 2023. Collection method: clinical testing. Allele origin: germline.
Comment: The p.K963R variant (also known as c.2888A>G), located in coding exon 6 of the CASR gene, results from an A to G substitution at nucleotide position 2888. The lysine at codon 963 is replaced by arginine, an amino acid with highly similar properties. This amino acid position is conserved. In addition, this alteration is predicted to be tolerated by in silico analysis. Since supporting evidence is limited at this time, the clinical significance of this alteration remains unclear.

Labcorp Genetics (formerly Invitae), Labcorp
Classification: Uncertain significance for Familial hypocalciuric hypercalcemia; Autosomal dominant hypocalcemia 1. Last evaluated: 2023-02-10. Review status: criteria provided, single submitter. Criteria: Invitae Variant Classification Sherloc (09022015). Collection method: clinical testing. Allele origin: germline.
Comment: This variant has not been reported in the literature in individuals affected with CASR-related conditions. This sequence change replaces lysine, which is basic and polar, with arginine, which is basic and polar, at codon 963 of the CASR protein (p.Lys963Arg). This variant is not present in population databases (gnomAD no frequency). Algorithms developed to predict the effect of missense changes on protein structure and function are either unavailable or do not agree on the potential impact of this missense change (SIFT: "Deleterious"; PolyPhen-2: "Probably Damaging"; Align-GVGD: "Class C0"). In summary, the available evidence is currently insufficient to determine the role of this variant in disease. Therefore, it has been classified as a Variant of Uncertain Significance.

NM_000388.4(CASR):c.2888A>G (p.Lys963Arg)

Gene: CASR (calcium sensing receptor; plus strand). Cytogenetic location: 3q21.1.
Variant type: single nucleotide variant.
Coding change: c.2888A>G on transcript NM_000388.4 (MANE Select); coding-DNA position 2888, A replaced by G.
Protein change: p.Lys963Arg; replaces lysine 963 with arginine.
Molecular consequence: missense variant.
Genome position (GRCh38, 1-based): chr3:122,284,842, A>G. VCF-style: chr3-122284842-A-G. GRCh37 (hg19) VCF-style: chr3-122003689-A-G.
Other names: c.2918A>G, p.Lys973Arg (NM_001178065.2); c.2888A>G (NM_000388.3); short protein forms K973R, K963R.
Identifiers: ClinVar variation 2180451 (VCV002180451.5), dbSNP rs2473282465, ClinGen allele CA354160988.
Genomic context (GRCh38, chr3:122,284,842, plus strand): 5'-AGCAGCAGCAGCCCCTGACCCTCCCACAGCAGCAACGATCTCAGCAGCAGCCCAGATGCA[A>G]GCAGAAGGTCATCTTTGGCAGCGGCACGGTCACCTTCTCACTGAGCTTTGATGAGCCTCA-3'
Protein context (NP_000379.3, residues 953-973): QQRSQQQPRC[Lys963Arg]QKVIFGSGTV